The following is an entry in ClinVar:

NM_003482.4(KMT2D):c.16469_16472del (p.Lys5490fs)

Gene: KMT2D (lysine methyltransferase 2D; minus strand). Cytogenetic location: 12q13.12.
Variant type: Deletion.
Coding change: c.16469_16472del on transcript NM_003482.4 (MANE Select); coding-DNA positions 16469 to 16472, 4 bases deleted (AAGA; older notation c.16469_16472delAAGA).
Protein change: p.Lys5490fs; shifts the reading frame from lysine 5490.
Molecular consequence: frameshift variant.
Genome position (GRCh38, 1-based): chr12:49,022,092-49,022,095, TCTT deleted on the plus strand (AAGA on the coding strand, the reverse complement: KMT2D is on the minus strand); deleting any 4 consecutive bases within chr12:49,022,092-49,022,096 gives the same sequence; the c. name uses the placement nearest the transcript's 3' end. VCF-style (leftmost placement, unchanged base first): chr12-49022091-CTCTT-C. GRCh37 (hg19) VCF-style: chr12-49415874-CTCTT-C.
Other names: c.16469_16472delAAGA (NM_003482.3); short protein forms K5490fs.
Identifiers: ClinVar variation 280263 (VCV000280263.2), dbSNP rs886041499, ClinGen allele CA10603161.

ClinVar aggregate classification (germline): Pathogenic (1 of 4 stars; one submission).

Submission:

GeneDx
Classification: Pathogenic. Last evaluated: 2016-01-08. Review status: criteria provided, single submitter. Criteria: GeneDx Variant Classification (06012015). Collection method: clinical testing. Allele origin: germline. Affected: yes.
Comment: The c.16469_16472delAAGA pathogenic variant in the KMT2D gene has not been reported previously as a pathogenic variant nor as a benign variant, to our knowledge. This variant causes a frameshift starting with codon Lysine 5490, changes this amino acid to an Arginine residue, and creates a premature Stop codon at position 18 of the new reading frame, denoted p.Lys5490ArfgsX18. This variant is predicted to cause protein truncation in the SET domain, as the last 48 amino acid residues of the protein are replaced with 17 incorrect amino acids. Other protein truncating pathogenic variants have been described in associated with Kabuki syndrome (Ng et al. 2010, Hannibal et al. 2011). This variant was not observed in approximately 6200 individuals of European and African American ancestry in the NHLBI Exome Sequencing Project, indicating it is not a common benign variant in these populations. We interpret c.16469_16472delAAGA as a pathogenic variant.